The following is an entry in ClinVar:

ClinVar aggregate classification (germline): Uncertain significance (1 of 4 stars; one submission).

Allele frequency attached by ClinVar (database versions not stated): ExAC 0.00002.
gnomAD v4.1: 9 of 1,611,818 alleles (0.00056%); highest among the groups gnomAD compares: South Asian, 0.0088%; no homozygotes.

Submission:

Labcorp Genetics (formerly Invitae), Labcorp
Classification: Uncertain significance. Last evaluated: 2024-05-01. Review status: criteria provided, single submitter. Criteria: Invitae Variant Classification Sherloc (09022015). Collection method: clinical testing. Allele origin: germline.
Comment: This sequence change replaces serine, which is neutral and polar, with phenylalanine, which is neutral and non-polar, at codon 1175 of the VPS13C protein (p.Ser1175Phe). This variant is present in population databases (rs369780892, gnomAD 0.01%). This missense change has been observed in individual(s) with clinical features of Parkinson disease (Invitae). Advanced modeling of protein sequence and biophysical properties (such as structural, functional, and spatial information, amino acid conservation, physicochemical variation, residue mobility, and thermodynamic stability) performed at Invitae indicates that this missense variant is expected to disrupt VPS13C protein function with a positive predictive value of 80%. In summary, the available evidence is currently insufficient to determine the role of this variant in disease. Therefore, it has been classified as a Variant of Uncertain Significance.

NM_020821.3(VPS13C):c.3524C>T (p.Ser1175Phe)

Gene: VPS13C (vacuolar protein sorting 13 homolog C; minus strand). Cytogenetic location: 15q22.2.
Variant type: single nucleotide variant.
Coding change: c.3524C>T on transcript NM_020821.3 (MANE Select); coding-DNA position 3524, C replaced by T.
Protein change: p.Ser1175Phe; replaces serine 1175 with phenylalanine.
Molecular consequence: missense variant.
Genome position (GRCh38, 1-based): chr15:61,962,450, G>A on the plus strand (C>T on the coding strand, the complement: VPS13C is on the minus strand). VCF-style: chr15-61962450-G-A. GRCh37 (hg19) VCF-style: chr15-62254649-G-A.
Other names: c.3524C>T, p.Ser1175Phe (NM_001018088.3); c.3395C>T, p.Ser1132Phe (NM_017684.5, NM_018080.4); short protein forms S1132F, S1175F.
Identifiers: ClinVar variation 3018705 (VCV003018705.3), dbSNP rs369780892, ClinGen allele CA7596354.
Genomic context (GRCh38, chr15:61,962,450, plus strand): 5'-TTATGAAGATAGACAATCTGAATACAGCCAACATTCAGAGACAGCACACCATCCACTTTG[G>A]ACATGTCAGTATACAAATCCCCCTCAGTAGCATCTGGATACAAATCCAAATTAAAACGGA-3'
Protein context (NP_065872.1, residues 1165-1185): ATEGDLYTDM[Ser1175Phe]KVDGVLSLNV